The following is an entry in ClinVar:

NM_001942.4(DSG1):c.1876T>C (p.Cys626Arg)

Genes: DSG1 (desmoglein 1; plus strand), DSG1-AS1 (DSG1 antisense RNA 1; minus strand). Cytogenetic location: 18q12.1.
Variant type: single nucleotide variant.
Coding change: c.1876T>C on transcript NM_001942.4 (MANE Select); coding-DNA position 1876, T replaced by C.
Protein change: p.Cys626Arg; replaces cysteine 626 with arginine.
Molecular consequence: missense variant.
Genome position (GRCh38, 1-based): chr18:31,343,980, T>C. VCF-style: chr18-31343980-T-C. GRCh37 (hg19) VCF-style: chr18-28923943-T-C.
Other names: short protein forms C626R.
Identifiers: ClinVar variation 3698408 (VCV003698408.2).

ClinVar aggregate classification (germline): Uncertain significance (1 of 4 stars; one submission).

gnomAD v4.1: 1 of 1,612,576 alleles (0.000062%); highest among the groups gnomAD compares: Non-Finnish European, 0.000085%; no homozygotes.

Submission:

Labcorp Genetics (formerly Invitae), Labcorp
Classification: Uncertain significance. Last evaluated: 2025-01-08. Review status: criteria provided, single submitter. Criteria: Invitae Variant Classification Sherloc (09022015). Collection method: clinical testing. Allele origin: germline.
Comment: This sequence change replaces cysteine, which is neutral and slightly polar, with arginine, which is basic and polar, at codon 626 of the DSG1 protein (p.Cys626Arg). This variant is present in population databases (rs754000943, gnomAD 0.0009%). This variant has not been reported in the literature in individuals affected with DSG1-related conditions. An algorithm developed to predict the effect of missense changes on protein structure and function (PolyPhen-2) suggests that this variant is likely to be disruptive. In summary, the available evidence is currently insufficient to determine the role of this variant in disease. Therefore, it has been classified as a Variant of Uncertain Significance.